The following is an entry in ClinVar:

ClinVar aggregate classification (germline): Pathogenic/Likely pathogenic. Review status: criteria provided, multiple submitters, no conflicts (2 of 4 stars). 3 submissions from 3 submitters: Pathogenic (2); Likely pathogenic (1). Last evaluated 2024-10-30.

Conditions:
Cystic fibrosis (CF). Also called: MUCOVISCIDOSIS. Identifiers: Orphanet 586, MedGen C0010674, MONDO:0009061, OMIM 219700. Disease mechanism: loss of function.
Bronchiectasis with or without elevated sweat chloride 1 (BESC1). Also called: Cystic Fibrosis-Like Syndrome. Identifiers: Orphanet 60033, MedGen C2749757, MONDO:0008887, OMIM 211400.

Submissions (3):

3billion
Classification: Pathogenic for Cystic fibrosis. Last evaluated: 2024-10-30. Review status: criteria provided, single submitter. Criteria: ACMG Guidelines, 2015. Collection method: clinical testing. Allele origin: germline. Affected: yes.
Comment: The variant is not observed in the gnomAD v4.1.0 dataset. Predicted Consequence/Location: Frameshift: predicted to result in a loss or disruption of normal protein function through nonsense-mediated decay (NMD) or protein truncation. Multiple pathogenic variants are reported downstream of the variant. The variant has been reported to be associated with CFTR-related disorder (ClinVar ID: VCV002680725 /PMID: 32777524). Therefore, this variant is classified as Pathogenic according to the recommendation of ACMG/AMP guideline.

Labcorp Genetics (formerly Invitae), Labcorp
Classification: Pathogenic for Cystic fibrosis. Last evaluated: 2024-04-25. Review status: criteria provided, single submitter. Criteria: Invitae Variant Classification Sherloc (09022015). Collection method: clinical testing. Allele origin: germline.
Comment: This sequence change creates a premature translational stop signal (p.Leu475Trpfs*52) in the CFTR gene. It is expected to result in an absent or disrupted protein product. Loss-of-function variants in CFTR are known to be pathogenic (PMID: 1695717, 7691345, 9725922). This variant is not present in population databases (gnomAD no frequency). This premature translational stop signal has been observed in individual(s) with CFTR-related conditions (PMID: 32777524). For these reasons, this variant has been classified as Pathogenic.

Baylor Genetics
Classification: Likely pathogenic for Bronchiectasis with or without elevated sweat chloride 1. Last evaluated: 2022-03-19. Review status: criteria provided, single submitter. Criteria: ACMG Guidelines, 2015. Collection method: clinical testing. Allele origin: unknown.

Literature cited by the submitters: PubMed 32777524 (cited by 3billion and Labcorp Genetics (formerly Invitae), Labcorp); PubMed 1695717 (cited by Labcorp Genetics (formerly Invitae), Labcorp); PubMed 7691345 (cited by Labcorp Genetics (formerly Invitae), Labcorp); PubMed 9725922 (cited by Labcorp Genetics (formerly Invitae), Labcorp).

NM_000492.4(CFTR):c.1423del (p.Leu475fs)

Genes: CFTR (CF transmembrane conductance regulator; plus strand), CFTR-AS1 (CFTR antisense RNA 1; minus strand). Cytogenetic location: 7q31.2.
Variant type: Deletion.
Coding change: c.1423del on transcript NM_000492.4 (MANE Select); coding-DNA position 1423, one base deleted (C; older notation c.1423delC).
Protein change: p.Leu475fs; shifts the reading frame from leucine 475.
Molecular consequence: frameshift variant.
Genome position (GRCh38, 1-based): chr7:117,559,494, C deleted. VCF-style (leftmost placement, unchanged base first): chr7-117559493-AC-A. GRCh37 (hg19) VCF-style: chr7-117199547-AC-A.
Other names: short protein forms L475fs.
Identifiers: ClinVar variation 2680725 (VCV002680725.4), dbSNP rs2485065290, ClinGen allele CA2695199618.
Genomic context (GRCh38, chr7:117,559,493, plus strand): 5'-ATGACCTAATAATGATGGGTTTTATTTCCAGACTTCACTTCTAATGGTGATTATGGGAGA[AC>A]TGGAGCCTTCAGAGGGTAAAATTAAGCACAGTGGAAGAATTTCATTCTGTTCTCAGTTTT-3'